The following is an entry in ClinVar:

NM_003384.3(VRK1):c.105_108del (p.Lys35fs)

Gene: VRK1 (VRK serine/threonine kinase 1; plus strand). Cytogenetic location: 14q32.2.
Variant type: Deletion.
Coding change: c.105_108del on transcript NM_003384.3 (MANE Select); coding-DNA positions 105 to 108, 4 bases deleted (GGAA; older notation c.105_108delGGAA).
Protein change: p.Lys35fs; shifts the reading frame from lysine 35.
Molecular consequence: frameshift variant.
Genome position (GRCh38, 1-based): chr14:96,833,576-96,833,579, GGAA deleted; deleting any 4 consecutive bases within chr14:96,833,574-96,833,579 gives the same sequence; the c. name uses the placement nearest the transcript's 3' end. VCF-style (leftmost placement, unchanged base first): chr14-96833573-AAAGG-A. GRCh37 (hg19) VCF-style: chr14-97299910-AAAGG-A.
Other names: c.105_108delGGAA, p.Lys35Asnfs (NM_001411051.1, NM_001411053.1); short protein forms K35fs.
Identifiers: ClinVar variation 2428131 (VCV002428131.7), dbSNP rs1298866730, ClinGen allele CA616117135.
Genomic context (GRCh38, chr14:96,833,573, plus strand): 5'-TGCAAAGAGACATCTTGCAGAACAATTTGCAGTTGGAGAGATAATAACTGACATGGCAAA[AAAGG>A]AATGGAAAGTAGGATTACCCATTGGCCAAGGAGGCTTTGGCTGTATATATCTTGGTAAGT-3'

ClinVar aggregate classification (germline): Pathogenic (1 of 4 stars; one submission).

Conditions:
Pontocerebellar hypoplasia type 1A (PCH1A). Also called: PONTOCEREBELLAR HYPOPLASIA WITH ANTERIOR HORN CELL DISEASE; PONTOCEREBELLAR HYPOPLASIA WITH INFANTILE SPINAL MUSCULAR ATROPHY. Identifiers: Orphanet 2254, Orphanet 88616, MedGen C1843504, MONDO:0011866, OMIM 607596.

Submission:

Labcorp Genetics (formerly Invitae), Labcorp
Classification: Pathogenic for Pontocerebellar hypoplasia type 1A. Last evaluated: 2024-01-28. Review status: criteria provided, single submitter. Criteria: Invitae Variant Classification Sherloc (09022015). Collection method: clinical testing. Allele origin: germline.
Comment: This sequence change creates a premature translational stop signal (p.Lys35Asnfs*4) in the VRK1 gene. It is expected to result in an absent or disrupted protein product. Loss-of-function variants in VRK1 are known to be pathogenic (PMID: 19646678, 24126608, 27281532). This variant is present in population databases (no rsID available, gnomAD 0.002%). This variant has not been reported in the literature in individuals affected with VRK1-related conditions. ClinVar contains an entry for this variant (Variation ID: 2428131). For these reasons, this variant has been classified as Pathogenic.

Literature cited by the submitters: PubMed 19646678; PubMed 24126608; PubMed 27281532.